The following is an entry in ClinVar:

ClinVar aggregate classification (germline): Pathogenic (1 of 4 stars; one submission).

Submission:

Labcorp Genetics (formerly Invitae), Labcorp
Classification: Pathogenic. Last evaluated: 2025-05-05. Review status: criteria provided, single submitter. Criteria: Invitae Variant Classification Sherloc (09022015). Collection method: clinical testing. Allele origin: germline.
Comment: This sequence change creates a premature translational stop signal (p.Glu955*) in the COL2A1 gene. It is expected to result in an absent or disrupted protein product. Loss-of-function variants in COL2A1 are known to be pathogenic (PMID: 20179744). This variant is not present in population databases (gnomAD no frequency). This variant has not been reported in the literature in individuals affected with COL2A1-related conditions. ClinVar contains an entry for this variant (Variation ID: 2028559). For these reasons, this variant has been classified as Pathogenic.

Literature cited by the submitters: PubMed 20179744.

NM_001844.5(COL2A1):c.2863G>T (p.Glu955Ter)

Gene: COL2A1 (collagen type II alpha 1 chain; minus strand). Cytogenetic location: 12q13.11.
Variant type: single nucleotide variant.
Coding change: c.2863G>T on transcript NM_001844.5 (MANE Select); coding-DNA position 2863, G replaced by T.
Protein change: p.Glu955Ter; replaces glutamic acid 955 with a stop codon.
Molecular consequence: nonsense.
Genome position (GRCh38, 1-based): chr12:47,978,629, C>A on the plus strand (G>T on the coding strand, the complement: COL2A1 is on the minus strand). VCF-style: chr12-47978629-C-A. GRCh37 (hg19) VCF-style: chr12-48372412-C-A.
Other names: c.2656G>T, p.Glu886Ter (NM_033150.3); short protein forms E955*, E886*.
Identifiers: ClinVar variation 2028559 (VCV002028559.4), dbSNP rs1373299848, ClinGen allele CA384541920.